The following continues an entry in ClinVar:

NM_018026.4(PACS1):c.607C>T (p.Arg203Trp)

Gene: PACS1. ClinVar aggregate classification (germline): Pathogenic/Likely pathogenic. Pathogenic (48); Likely pathogenic (1).

Submissions 49 to 60 of 60:

Wangler Lab, Baylor College of Medicine
Classification: Pathogenic for Schuurs-Hoeijmakers syndrome. Review status: criteria provided, single submitter. Criteria: ACMG Guidelines, 2015. Collection method: clinical testing. Allele origin: de novo. Inheritance: Autosomal dominant inheritance. Affected: yes. Observed: 1 heterozygote.
Comment: This recurrent de novo variant has been previously reported in more than 20 individuals with Schuurs-Hoeijmakers syndrome (PMID: 26842493, 30588754). This variant has not been observed in gnomAD (PM2). Functional studies demonstrated that this variant forms cytoplasmic aggregates with increased protein stability, consistent with a dominant-negative mechanism (PMID: 23159249) (PS3). This variant has a deleterious prediction score (CADD: 29.4) (PP3), and the evolutionary conservation of this residue is high. We classify this variant as pathogenic.

PreventionGenetics, part of Exact Sciences
Classification: Pathogenic for PACS1-related condition. Last evaluated: 2024-05-14. Review status: no assertion criteria provided. Collection method: clinical testing. Allele origin: germline. Not counted in ClinVar's aggregate classification.
Comment: The PACS1 c.607C>T variant is predicted to result in the amino acid substitution p.Arg203Trp. This variant has been reported as a recurrent de novo alteration in several individuals with Schuurs-Hoeijmakers syndrome and is considered one of the defining variants of this disorder (Schuurs-Hoeijmakers et al. 2012. PubMed ID: 23159249; Seto et al. 2020. PubMed ID: 33166031). This variant has not been reported in a large population database, indicating it is rare. This variant is interpreted as pathogenic.

Clinical Laboratory Sciences Program (CLSP), King Saud bin Abdulaziz University for Health Sciences (KSAU-HS)
Classification: Pathogenic for Schuurs-Hoeijmakers syndrome. Last evaluated: 2023-04-01. Review status: no assertion criteria provided. Collection method: clinical testing. Allele origin: germline. Affected: yes. Not counted in ClinVar's aggregate classification.

Pediatric Genetics Clinic, Sheba Medical Center
Classification: Pathogenic for Schuurs-Hoeijmakers syndrome. Last evaluated: 2021-05-13. Review status: no assertion criteria provided. Collection method: clinical testing. Allele origin: de novo. Affected: yes. Observed: 1 heterozygote. Not counted in ClinVar's aggregate classification.

Laboratory of Medical Genetics, University of Torino
Classification: Pathogenic for Schuurs-Hoeijmakers syndrome. Last evaluated: 2021-03-14. Review status: no assertion criteria provided. Collection method: research. Allele origin: de novo. Affected: yes. Not counted in ClinVar's aggregate classification.

Service de Génétique Moléculaire, Hôpital Robert Debré
Classification: Pathogenic for Schuurs-Hoeijmakers syndrome. Last evaluated: 2020-07-17. Review status: no assertion criteria provided. Collection method: clinical testing. Allele origin: de novo. Affected: yes. Not counted in ClinVar's aggregate classification.

ClinVar Staff, National Center for Biotechnology Information (NCBI)
Classification: Likely pathogenic for Mental retardation, autosomal dominant 17. Last evaluated: 2013-06-27. Review status: no assertion criteria provided. Collection method: literature only. Allele origin: germline. Affected: yes. Not counted in ClinVar's aggregate classification.

OMIM
Classification: Pathogenic for SCHUURS-HOEIJMAKERS SYNDROME. Last evaluated: 2012-12-07. Review status: no assertion criteria provided. Collection method: literature only. Allele origin: germline. Not counted in ClinVar's aggregate classification.

Clinical Genetics DNA and cytogenetics Diagnostics Lab, Erasmus MC, Erasmus Medical Center
Classification: Pathogenic. Review status: no assertion criteria provided. Collection method: clinical testing. Allele origin: germline. Affected: yes. Study: VKGL Data-share Consensus. Not counted in ClinVar's aggregate classification.

Diagnostic Laboratory, Department of Genetics, University Medical Center Groningen
Classification: Pathogenic. Review status: no assertion criteria provided. Collection method: clinical testing. Allele origin: germline. Affected: yes. Study: VKGL Data-share Consensus. Not counted in ClinVar's aggregate classification.

Hong-Tao Li Lab, Institute of Brain Science and Brain-inspired Research, Shandong First Medical University & Shandong Academy of Medical Sciences China
Classification: Pathogenic for Schuurs-Hoeijmakers syndrome. Review status: no assertion criteria provided. Collection method: research. Allele origin: germline. Inheritance: Autosomal dominant inheritance. Affected: yes. Observed: 1 variant allele, 1 heterozygote. Not counted in ClinVar's aggregate classification.
Comment: Observed in affected individuals from a Pakistani neurodevelopmental-disorder research cohort of 263 individuals. Classification assigned using the ACMG/AMP framework. Population-frequency evidence: gnomAD AF 0.

Joint Genome Diagnostic Labs from Nijmegen and Maastricht, Radboudumc and MUMC+
Classification: Pathogenic. Review status: no assertion criteria provided. Collection method: clinical testing. Allele origin: germline. Affected: yes. Study: VKGL Data-share Consensus. Not counted in ClinVar's aggregate classification.

Literature cited by the submitters: PubMed 26795593 (cited by 3 submitters); PubMed 26842493 (cited by 7 submitters); PubMed 23159249 (cited by 11 submitters); PubMed 25533962 (cited by 3billion); PubMed 28975623 (cited by 3billion and Victorian Clinical Genetics Services, Murdoch Childrens Research Institute); PubMed 28111752 (cited by 4 submitters); PubMed 25522177 (cited by 4 submitters); PubMed 28628100 (cited by New York Genome Center and Illumina Laboratory Services, Illumina); PubMed 29550517 (cited by 3 submitters); PubMed 30113927 (cited by 3 submitters); PubMed 33166031 (cited by New York Genome Center); PubMed 30712880 (cited by New York Genome Center); PubMed 31330568 (cited by New York Genome Center); PubMed 34068396 (cited by New York Genome Center and Ambry Genetics); PubMed 25326635 (cited by Baylor Genetics); PubMed 28135719 (cited by Ambry Genetics); PubMed 30588754 (cited by 3 submitters); PubMed 30690871 (cited by Ambry Genetics and Illumina Laboratory Services, Illumina); PubMed 27681385 (cited by GeneDx); PubMed 32963807 (cited by Department of Paediatrics and Adolescent Medicine, The University of Hong Kong); PubMed 28471432 (cited by Illumina Laboratory Services, Illumina); PubMed 28554332 (cited by Illumina Laboratory Services, Illumina); PubMed 26944241 (cited by Illumina Laboratory Services, Illumina); PubMed 25356970 (cited by Illumina Laboratory Services, Illumina); DOI 10.1016/j.ajhg.2012.10.013 (cited by Kasturba Medical College, Manipal, Kasturba Medical College, Manipal, Manipal Academy of Higher Education, Manipal, India).